The following is an entry in ClinVar:

NM_000038.6(APC):c.4010_4013dup (p.Gln1338fs)

Gene: APC (APC regulator of WNT signaling pathway; plus strand). Cytogenetic location: 5q22.2.
Variant type: Duplication.
Coding change: c.4010_4013dup on transcript NM_000038.6 (MANE Select); coding-DNA positions 4010 to 4013, 4 bases duplicated (TGCA; older notation c.4010_4013dupTGCA).
Protein change: p.Gln1338fs; shifts the reading frame from glutamine 1338.
Molecular consequence: frameshift variant.
Genome position (GRCh38, 1-based): chr5:112,839,604-112,839,607, TGCA duplicated. VCF-style (leftmost placement, unchanged base first): chr5-112839603-C-CTGCA. GRCh37 (hg19) VCF-style: chr5-112175300-C-CTGCA.
Other names: c.4010_4013dupTGCA (NM_000038.5); c.4010_4013dup, p.Gln1338fs (NM_001127510.3, NM_001354895.2); c.3956_3959dup, p.Gln1320fs (NM_001127511.3); c.4064_4067dup, p.Gln1356fs (NM_001354896.2); c.4040_4043dup, p.Gln1348fs (NM_001354897.2); c.3935_3938dup, p.Gln1313fs (NM_001354898.2); c.3926_3929dup, p.Gln1310fs (NM_001354899.2); c.3887_3890dup, p.Gln1297fs (NM_001354900.2); and 6 more; short protein forms Q1178fs, Q1212fs, Q1247fs, Q1310fs, Q1338fs, Q1356fs, Q1279fs, Q1313fs.
Identifiers: ClinVar variation 429206 (VCV000429206.2), dbSNP rs1131691256, ClinGen allele CA645369376.

ClinVar aggregate classification (germline): not provided (0 of 4 stars; one submission).

Submission:

GeneDx
No classification provided. Review status: no classification provided. Criteria: GeneDx Variant Classification (06012015). Collection method: clinical testing. Allele origin: germline. Affected: yes.
Comment: This duplication of 4 nucleotides in APC is denoted c.4010_4013dupTGCA at the cDNA level and p.Gln1338HisfsX5 (Q1338HfsX5) at the protein level. The normal sequence, with the bases that are duplicated in brackets, is AGAC[TGCA]GGGT. The duplication causes a frameshift, which changes a Glutamine to a Histidine at codon 1338, and creates a premature stop codon at position 5 of the new reading frame. Although this variant has not, to our knowledge, been reported in the literature, it is predicted to cause loss of normal protein function through either protein truncation. we consider this variant to be pathogenic.